The following is an entry in ClinVar:

ClinVar aggregate classification (germline): Uncertain significance (1 of 4 stars; one submission).

Allele frequency attached by ClinVar (database versions not stated): ExAC 0.00014; gnomAD exomes 0.00011; 1000 Genomes Project 30x 0.00016; 1000 Genomes Project 0.00020.
gnomAD v4.1: 95 of 1,614,208 alleles (0.0059%); highest among the groups gnomAD compares: South Asian, 0.098%; 1 homozygote.

Submission:

Labcorp Genetics (formerly Invitae), Labcorp
Classification: Uncertain significance. Last evaluated: 2022-05-03. Review status: criteria provided, single submitter. Criteria: Invitae Variant Classification Sherloc (09022015). Collection method: clinical testing. Allele origin: germline.
Comment: This sequence change replaces histidine, which is basic and polar, with leucine, which is neutral and non-polar, at codon 1118 of the ADAMTS18 protein (p.His1118Leu). This variant is present in population databases (rs527684984, gnomAD 0.09%), including at least one homozygous and/or hemizygous individual. This variant has not been reported in the literature in individuals affected with ADAMTS18-related conditions. Algorithms developed to predict the effect of missense changes on protein structure and function are either unavailable or do not agree on the potential impact of this missense change (SIFT: "Not Available"; PolyPhen-2: "Benign"; Align-GVGD: "Not Available"). In summary, the available evidence is currently insufficient to determine the role of this variant in disease. Therefore, it has been classified as a Variant of Uncertain Significance.

NM_199355.4(ADAMTS18):c.3353A>T (p.His1118Leu)

Gene: ADAMTS18 (ADAM metallopeptidase with thrombospondin type 1 motif 18; minus strand). Cytogenetic location: 16q23.1.
Variant type: single nucleotide variant.
Coding change: c.3353A>T on transcript NM_199355.4 (MANE Select); coding-DNA position 3353, A replaced by T.
Protein change: p.His1118Leu; replaces histidine 1118 with leucine.
Molecular consequence: missense variant.
Genome position (GRCh38, 1-based): chr16:77,291,315, T>A on the plus strand (A>T on the coding strand, the complement: ADAMTS18 is on the minus strand). VCF-style: chr16-77291315-T-A. GRCh37 (hg19) VCF-style: chr16-77325212-T-A.
Other names: c.2837A>T, p.His946Leu (NM_001326358.2); short protein forms H946L, H1118L.
Identifiers: ClinVar variation 1391608 (VCV001391608.5), dbSNP rs527684984, ClinGen allele CA8180488.